The following is an entry in ClinVar:

ClinVar aggregate classification (germline): Uncertain significance (1 of 4 stars; one submission).

Conditions:
Inborn genetic diseases. Identifiers: MedGen C0950123, MeSH D030342.

Submission:

Ambry Genetics
Classification: Uncertain significance for Inborn genetic diseases. Last evaluated: 2025-07-10. Review status: criteria provided, single submitter. Criteria: Ambry Variant Classification Scheme 2023. Collection method: clinical testing. Allele origin: germline.
Comment: The c.7726_7728delGAG (p.E2576del) alteration, located in coding exon 8 of the ZNF292 gene, results from an in-frame deletion of 3 nucleotides at positions 7726 to 7728. This results in the deletion of a glutamic acid residue at codon 2576. Based on data from gnomAD, this allele has an overall frequency of 0.001% (3/246402) total alleles studied. The highest observed frequency was 0.006% (2/34300) of Latino alleles. This amino acid position is not well conserved in available vertebrate species. Based on insufficient or conflicting evidence, the clinical significance of this alteration remains unclear.

NM_015021.3(ZNF292):c.7723GAG[1] (p.Glu2576del)

Gene: ZNF292 (zinc finger protein 292; plus strand). Cytogenetic location: 6q14.3.
Variant type: Microsatellite.
Coding change: c.7723GAG[1] on transcript NM_015021.3 (MANE Select); one copy of the 3-base unit GAG starting at c.7723; the reference has two copies in a row; one copy, 3 bases deleted.
Protein change: p.Glu2576del; deletes glutamic acid 2576.
Genome position (GRCh38, 1-based): chr6:87,261,355-87,261,357, GAG deleted; deleting any 3 consecutive bases within chr6:87,261,352-87,261,357 gives the same sequence; the position shown is the placement nearest the transcript's 3' end. VCF-style (leftmost placement, unchanged base first): chr6-87261351-TGAG-T. GRCh37 (hg19) VCF-style: chr6-87971069-TGAG-T.
Other names: c.7303GAG[1], p.Glu2436del (NM_001351444.2); short protein forms E2436del, E2576del.
Identifiers: ClinVar variation 4207790 (VCV004207790.1).